The following is an entry in ClinVar:

ClinVar aggregate classification (germline): Uncertain significance. Review status: criteria provided, multiple submitters, no conflicts (2 of 4 stars). 2 submissions from 2 submitters: Uncertain significance (2). Last evaluated 2026-07-13.

Conditions:
Hereditary cancer-predisposing syndrome. Also called: Hereditary Cancer Syndrome; Hereditary neoplastic syndrome; Neoplastic Syndromes, Hereditary; Tumor predisposition. Identifiers: Orphanet 140162, MedGen C0027672, MeSH D009386, MONDO:0015356.

Allele frequency attached by ClinVar (database versions not stated): gnomAD exomes below 0.00001; ExAC 0.00001.
gnomAD v4.1: 1 of 1,614,256 alleles (0.000062%); highest among the groups gnomAD compares: Non-Finnish European, 0.000085%; no homozygotes.

Submissions (2):

Ambry Genetics
Classification: Uncertain significance for Hereditary cancer-predisposing syndrome. Last evaluated: 2026-07-13. Review status: criteria provided, single submitter. Criteria: Ambry Variant Classification Scheme 2023. Collection method: clinical testing. Allele origin: germline.
Comment: The p.L214P variant (also known as c.641T>C), located in coding exon 5 of the CTNNA1 gene, results from a T to C substitution at nucleotide position 641. The leucine at codon 214 is replaced by proline, an amino acid with similar properties. This amino acid position is conserved. In addition, this alteration is predicted to be deleterious by in silico analysis. Based on the available evidence, the clinical significance of this variant remains unclear.

Labcorp Genetics (formerly Invitae), Labcorp
Classification: Uncertain significance. Last evaluated: 2022-12-19. Review status: criteria provided, single submitter. Criteria: Invitae Variant Classification Sherloc (09022015). Collection method: clinical testing. Allele origin: germline.
Comment: In summary, the available evidence is currently insufficient to determine the role of this variant in disease. Therefore, it has been classified as a Variant of Uncertain Significance. Advanced modeling of protein sequence and biophysical properties (such as structural, functional, and spatial information, amino acid conservation, physicochemical variation, residue mobility, and thermodynamic stability) performed at Invitae indicates that this missense variant is expected to disrupt CTNNA1 protein function. This variant has not been reported in the literature in individuals affected with CTNNA1-related conditions. This variant is present in population databases (rs759512025, gnomAD 0.0009%). This sequence change replaces leucine, which is neutral and non-polar, with proline, which is neutral and non-polar, at codon 214 of the CTNNA1 protein (p.Leu214Pro).

NM_001903.5(CTNNA1):c.641T>C (p.Leu214Pro)

Gene: CTNNA1 (catenin alpha 1; plus strand). Cytogenetic location: 5q31.2.
Variant type: single nucleotide variant.
Coding change: c.641T>C on transcript NM_001903.5 (MANE Select); coding-DNA position 641, T replaced by C.
Protein change: p.Leu214Pro; replaces leucine 214 with proline.
Molecular consequence: missense variant.
Genome position (GRCh38, 1-based): chr5:138,824,582, T>C. VCF-style: chr5-138824582-T-C. GRCh37 (hg19) VCF-style: chr5-138160271-T-C.
Other names: c.641T>C (NM_001903.2); c.641T>C, p.Leu214Pro (NM_001290307.3, NM_001323982.2, NM_001323983.1 and 3 more transcripts); c.332T>C, p.Leu111Pro (NM_001290309.3); c.272T>C, p.Leu91Pro (NM_001290310.3); short protein forms L111P, L214P, L91P.
Identifiers: ClinVar variation 2822238 (VCV002822238.4), dbSNP rs759512025, ClinGen allele CA3431515.